The following is an entry in ClinVar:

ClinVar aggregate classification (germline): Uncertain significance (1 of 4 stars; one submission).

Submission:

Labcorp Genetics (formerly Invitae), Labcorp
Classification: Uncertain significance. Last evaluated: 2022-08-13. Review status: criteria provided, single submitter. Criteria: Invitae Variant Classification Sherloc (09022015). Collection method: clinical testing. Allele origin: germline.
Comment: In summary, the available evidence is currently insufficient to determine the role of this variant in disease. Therefore, it has been classified as a Variant of Uncertain Significance. Algorithms developed to predict the effect of missense changes on protein structure and function (SIFT, PolyPhen-2, Align-GVGD) all suggest that this variant is likely to be tolerated. This variant has not been reported in the literature in individuals affected with FUK-related conditions. This variant is not present in population databases (gnomAD no frequency). This sequence change replaces serine, which is neutral and polar, with glycine, which is neutral and non-polar, at codon 569 of the FUK protein (p.Ser569Gly).

NM_145059.3(FCSK):c.1705A>G (p.Ser569Gly)

Gene: FCSK (fucose kinase; plus strand). Cytogenetic location: 16q22.1.
Variant type: single nucleotide variant.
Coding change: c.1705A>G on transcript NM_145059.3 (MANE Select); coding-DNA position 1705, A replaced by G.
Protein change: p.Ser569Gly; replaces serine 569 with glycine.
Molecular consequence: missense variant.
Genome position (GRCh38, 1-based): chr16:70,473,281, A>G. VCF-style: chr16-70473281-A-G. GRCh37 (hg19) VCF-style: chr16-70507184-A-G.
Other names: short protein forms S569G.
Identifiers: ClinVar variation 2024111 (VCV002024111.4), dbSNP rs2507436493, ClinGen allele CA396570936.